The following is an entry in ClinVar:

NM_018979.4(WNK1):c.1961C>T (p.Thr654Met)

Gene: WNK1 (WNK lysine deficient protein kinase 1; plus strand). Cytogenetic location: 12p13.33.
Variant type: single nucleotide variant.
Coding change: c.1961C>T on transcript NM_018979.4 (MANE Select); coding-DNA position 1961, C replaced by T.
Protein change: p.Thr654Met; replaces threonine 654 with methionine.
Molecular consequence: missense variant.
Genome position (GRCh38, 1-based): chr12:862,092, C>T. VCF-style: chr12-862092-C-T. GRCh37 (hg19) VCF-style: chr12-971258-C-T.
Other names: c.1961C>T, p.Thr654Met (NM_001184985.2, NM_014823.3, NM_213655.5); short protein forms T654M.
Identifiers: ClinVar variation 2929515 (VCV002929515.3), dbSNP rs756692331, ClinGen allele CA6382076.
Genomic context (GRCh38, chr12:862,092, plus strand): 5'-GTGATTTGTCTTTCTCTCTCTCTTTTTTTTGGCGATTCATTTTTCCTTCAGCTGATGGGA[C>T]GGTTGACAGTGGTCAGGGATCCTCTGTCTTCACAGAATCTCGAGTGAGCAGCCAACAGAC-3'
Protein context (NP_061852.3, residues 644-664): QPSISVLSDG[Thr654Met]VDSGQGSSVF

ClinVar aggregate classification (germline): Uncertain significance (1 of 4 stars; one submission).

Conditions:
Neuropathy, hereditary sensory and autonomic, type 2A (HSAN2A). Also called: HSAN IIA; WNK1-Related HSAN2 (HSAN2A); ACROOSTEOLYSIS, GIACCAI TYPE; ACROOSTEOLYSIS, NEUROGENIC; MORVAN DISEASE; NEUROPATHY, CONGENITAL SENSORY. Identifiers: Orphanet 970, MedGen C2752089, MONDO:0024309, OMIM 201300.
Pseudohypoaldosteronism type 2C (PHA2C). Also called: Pseudohypoaldosteronism Type IIC. Identifiers: Orphanet 757, Orphanet 88940, MedGen C1840391, MONDO:0013778, OMIM 614492.

Allele frequency attached by ClinVar (database versions not stated): gnomAD 0.00001; gnomAD exomes 0.00001; ExAC 0.00002; TOPMed 0.00002.
gnomAD v4.1: 16 of 1,613,774 alleles (0.00099%); highest among the groups gnomAD compares: African/African-American, 0.0027%; no homozygotes.

Submission:

Labcorp Genetics (formerly Invitae), Labcorp
Classification: Uncertain significance for Neuropathy, hereditary sensory and autonomic, type 2A; Pseudohypoaldosteronism type 2C. Last evaluated: 2024-12-20. Review status: criteria provided, single submitter. Criteria: Invitae Variant Classification Sherloc (09022015). Collection method: clinical testing. Allele origin: germline.
Comment: This sequence change replaces threonine, which is neutral and polar, with methionine, which is neutral and non-polar, at codon 654 of the WNK1 protein (p.Thr654Met). This variant is present in population databases (rs756692331, gnomAD 0.007%). This variant has not been reported in the literature in individuals affected with WNK1-related conditions. ClinVar contains an entry for this variant (Variation ID: 2929515). Invitae Evidence Modeling of protein sequence and biophysical properties (such as structural, functional, and spatial information, amino acid conservation, physicochemical variation, residue mobility, and thermodynamic stability) indicates that this missense variant is not expected to disrupt WNK1 protein function with a negative predictive value of 95%. In summary, the available evidence is currently insufficient to determine the role of this variant in disease. Therefore, it has been classified as a Variant of Uncertain Significance.